The following is an entry in ClinVar:

NM_177438.3(DICER1):c.4902G>T (p.Leu1634Phe)

Gene: DICER1 (dicer 1, ribonuclease III; minus strand). Cytogenetic location: 14q32.13.
Variant type: single nucleotide variant.
Coding change: c.4902G>T on transcript NM_177438.3 (MANE Select); coding-DNA position 4902, G replaced by T.
Protein change: p.Leu1634Phe; replaces leucine 1634 with phenylalanine.
Molecular consequence: missense variant.
Genome position (GRCh38, 1-based): chr14:95,096,018, C>A on the plus strand (G>T on the coding strand, the complement: DICER1 is on the minus strand). VCF-style: chr14-95096018-C-A. GRCh37 (hg19) VCF-style: chr14-95562355-C-A.
Other names: c.4902G>T, p.Leu1634Phe (NM_001195573.1, NM_001271282.3, NM_001291628.2 and 1 more transcripts); short protein forms L1634F.
Identifiers: ClinVar variation 1480470 (VCV001480470.10), dbSNP rs2139840736, ClinGen allele CA390866378.

ClinVar aggregate classification (germline): Uncertain significance (1 of 4 stars; one submission).

Conditions:
DICER1-related tumor predisposition. Also called: DICER1-related pleuropulmonary blastoma cancer predisposition syndrome; DICER1 syndrome. Identifiers: Orphanet 284343, MedGen C3839822, MONDO:0100216.

Submissions (2):

Labcorp Genetics (formerly Invitae), Labcorp
Classification: Uncertain significance for DICER1-related tumor predisposition. Last evaluated: 2020-12-03. Review status: criteria provided, single submitter. Criteria: Invitae Variant Classification Sherloc (09022015). Collection method: clinical testing. Allele origin: germline.
Comment: This sequence change replaces leucine with phenylalanine at codon 1634 of the DICER1 protein (p.Leu1634Phe). The leucine residue is weakly conserved and there is a small physicochemical difference between leucine and phenylalanine. This variant is not present in population databases (ExAC no frequency). This variant has not been reported in the literature in individuals with DICER1-related conditions. Algorithms developed to predict the effect of missense changes on protein structure and function output the following: SIFT: "Tolerated"; PolyPhen-2: "Benign"; Align-GVGD: "Class C0". The phenylalanine amino acid residue is found in multiple mammalian species, suggesting that this missense change does not adversely affect protein function. These predictions have not been confirmed by published functional studies and their clinical significance is uncertain. In summary, the available evidence is currently insufficient to determine the role of this variant in disease. Therefore, it has been classified as a Variant of Uncertain Significance.

Dr. Peter K. Rogan Lab, Western University
No classification provided (evidence only). Condition: Ovarian serous cystadenocarcinoma. Review status: no classification provided. Collection method: in vitro. Allele origin: not applicable. Functional consequence: retained intron. Not counted in ClinVar's aggregate classification.